The following is an entry in ClinVar:

ClinVar aggregate classification (germline): Uncertain significance. Review status: criteria provided, multiple submitters, no conflicts (2 of 4 stars). 2 submissions from 2 submitters: Uncertain significance (2). Last evaluated 2024-10-20.

Allele frequency attached by ClinVar (database versions not stated): gnomAD 0.00001.
gnomAD v4.1: 91 of 1,613,940 alleles (0.0056%); highest among the groups gnomAD compares: East Asian, 0.2%; no homozygotes.

Submissions (2):

Labcorp Genetics (formerly Invitae), Labcorp
Classification: Uncertain significance. Last evaluated: 2024-10-20. Review status: criteria provided, single submitter. Criteria: Invitae Variant Classification Sherloc (09022015). Collection method: clinical testing. Allele origin: germline.
Comment: This sequence change disrupts the translational stop signal of the KCNJ13 mRNA. It is expected to extend the length of the KCNJ13 protein by 6 additional amino acid residues. This variant is present in population databases (no rsID available, gnomAD 0.006%). This variant has not been reported in the literature in individuals affected with KCNJ13-related conditions. ClinVar contains an entry for this variant (Variation ID: 2196548). Experimental studies and prediction algorithms are not available or were not evaluated, and the functional significance of this variant is currently unknown. In summary, the available evidence is currently insufficient to determine the role of this variant in disease. Therefore, it has been classified as a Variant of Uncertain Significance.

Blueprint Genetics
Classification: Uncertain significance. Last evaluated: 2022-06-24. Review status: criteria provided, single submitter. Criteria: ACMG Guidelines, 2015. Collection method: clinical testing. Allele origin: germline.

NM_002242.4(KCNJ13):c.1081T>C (p.Ter361Gln)

Genes: GIGYF2 (GRB10 interacting GYF protein 2; plus strand), KCNJ13 (potassium inwardly rectifying channel subfamily J member 13; minus strand). Cytogenetic location: 2q37.1.
Variant type: single nucleotide variant.
Coding change: c.1081T>C on transcript NM_002242.4 (MANE Select); coding-DNA position 1081, T replaced by C.
Protein change: p.Ter361Gln.
Molecular consequence: stop lost. On other transcripts: 3 prime UTR variant (1), intron variant (4).
Genome position (GRCh38, 1-based): chr2:232,768,193, A>G on the plus strand (T>C on the coding strand, the complement: KCNJ13 is on the minus strand). VCF-style: chr2-232768193-A-G. GRCh37 (hg19) VCF-style: chr2-233632903-A-G.
Other names: c.*560T>C (NM_001172416.1); c.841T>C, p.Ter281Gln (NM_001172417.1); c.532+6757A>G (NM_001103146.3, NM_015575.4, NM_001103147.2 and 1 more transcripts).
Identifiers: ClinVar variation 2196548 (VCV002196548.5), dbSNP rs1201705876, ClinGen allele CA351007132.
Genomic context (GRCh38, chr2:232,768,193, plus strand): 5'-GAAAAAGTAGCTGCATAACTGGCTGGGTGTATTTAATACATTAAAAAATGGATAAGTCTT[A>G]TTCTGTCAGTCCTGTTTCAGAGATCTGAAAATTGTCAATGCTTTGTCCATTGATGTGGAT-3'